The following is an entry in ClinVar:

NM_002890.3(RASA1):c.1055T>C (p.Phe352Ser)

Genes: CCNH (cyclin H; minus strand), RASA1 (RAS p21 protein activator 1; plus strand). Cytogenetic location: 5q14.3.
Variant type: single nucleotide variant.
Coding change: c.1055T>C on transcript NM_002890.3 (MANE Select); coding-DNA position 1055, T replaced by C.
Protein change: p.Phe352Ser; replaces phenylalanine 352 with serine.
Molecular consequence: missense variant. On other transcripts: intron variant (1).
Genome position (GRCh38, 1-based): chr5:87,346,677, T>C. VCF-style: chr5-87346677-T-C. GRCh37 (hg19) VCF-style: chr5-86642494-T-C.
Other names: c.524T>C, p.Phe175Ser (NM_022650.3); c.934-33882A>G (NM_001364075.2); short protein forms F175S, F352S.
Identifiers: ClinVar variation 1061162 (VCV001061162.9), dbSNP rs2112414697, ClinGen allele CA360362783.

ClinVar aggregate classification (germline): Uncertain significance (1 of 4 stars; one submission).

Conditions:
Capillary malformation-arteriovenous malformation syndrome. Also called: Capillary malformation-arteriovenous malformation. Identifiers: Orphanet 137667, MedGen C1842180, MONDO:0012016.

Submission:

Labcorp Genetics (formerly Invitae), Labcorp
Classification: Uncertain significance for Capillary malformation-arteriovenous malformation syndrome. Last evaluated: 2020-10-08. Review status: criteria provided, single submitter. Criteria: Invitae Variant Classification Sherloc (09022015). Collection method: clinical testing. Allele origin: germline.
Comment: In summary, the available evidence is currently insufficient to determine the role of this variant in disease. Therefore, it has been classified as a Variant of Uncertain Significance. Algorithms developed to predict the effect of missense changes on protein structure and function are either unavailable or do not agree on the potential impact of this missense change (SIFT: "Deleterious"; PolyPhen-2: "Possibly Damaging"; Align-GVGD: "Class C0"). This variant has not been reported in the literature in individuals with RASA1-related conditions. This variant is not present in population databases (ExAC no frequency). This sequence change replaces phenylalanine with serine at codon 352 of the RASA1 protein (p.Phe352Ser). The phenylalanine residue is moderately conserved and there is a large physicochemical difference between phenylalanine and serine.